The following is an entry in ClinVar:

ClinVar aggregate classification (germline): Conflicting classifications of pathogenicity. Review status: criteria provided, conflicting classifications (1 of 4 stars). 2 submissions from 2 submitters: Uncertain significance (1); Likely benign (1). Last evaluated 2026-04-17.

Conditions:
Hereditary cancer-predisposing syndrome. Also called: Tumor predisposition; Neoplastic Syndromes, Hereditary; Hereditary neoplastic syndrome; Hereditary Cancer Syndrome. Identifiers: Orphanet 140162, MedGen C0027672, MeSH D009386, MONDO:0015356.
Cardiovascular phenotype. Identifiers: MedGen CN230736.
Neurofibromatosis, type 1 (NF1). Also called: Peripheral type neurofibromatosis; Neurofibromatosis, type I; NEUROFIBROMATOSIS, TYPE I, SOMATIC; VON RECKLINGHAUSEN DISEASE. Identifiers: Orphanet 636, MedGen C0027831, MONDO:0018975, OMIM 162200. Disease mechanism: loss of function.

Submissions (2):

Ambry Genetics
Classification: Likely benign for Cardiovascular phenotype; Hereditary cancer-predisposing syndrome. Last evaluated: 2026-04-17. Review status: criteria provided, single submitter. Criteria: Ambry Variant Classification Scheme 2023. Collection method: clinical testing. Allele origin: germline.

Labcorp Genetics (formerly Invitae), Labcorp
Classification: Uncertain significance for Neurofibromatosis, type 1. Last evaluated: 2022-04-11. Review status: criteria provided, single submitter. Criteria: Invitae Variant Classification Sherloc (09022015). Collection method: clinical testing. Allele origin: germline.
Comment: This variant is not present in population databases (gnomAD no frequency). This sequence change replaces aspartic acid, which is acidic and polar, with asparagine, which is neutral and polar, at codon 1058 of the NF1 protein (p.Asp1058Asn). This variant has not been reported in the literature in individuals affected with NF1-related conditions. ClinVar contains an entry for this variant (Variation ID: 823075). Algorithms developed to predict the effect of missense changes on protein structure and function are either unavailable or do not agree on the potential impact of this missense change (SIFT: "Deleterious"; PolyPhen-2: "Probably Damaging"; Align-GVGD: "Class C0"). In summary, the available evidence is currently insufficient to determine the role of this variant in disease. Therefore, it has been classified as a Variant of Uncertain Significance.

NM_001042492.3(NF1):c.3172G>A (p.Asp1058Asn)

Gene: NF1 (neurofibromin 1; plus strand). Cytogenetic location: 17q11.2.
Variant type: single nucleotide variant.
Coding change: c.3172G>A on transcript NM_001042492.3 (MANE Select); coding-DNA position 3172, G replaced by A.
Protein change: p.Asp1058Asn; replaces aspartic acid 1058 with asparagine.
Molecular consequence: missense variant.
Genome position (GRCh38, 1-based): chr17:31,230,900, G>A. VCF-style: chr17-31230900-G-A. GRCh37 (hg19) VCF-style: chr17-29557918-G-A.
Other names: c.3172G>A, p.Asp1058Asn (NM_000267.4); short protein forms D1058N.
Identifiers: ClinVar variation 823075 (VCV000823075.10), dbSNP rs1597717634, ClinGen allele CA398988158.